The following is an entry in ClinVar:

ClinVar aggregate classification (germline): Uncertain significance (1 of 4 stars; one submission).

Conditions:
Regional enteritis. Also called: Enteritis, Granulomatous. Identifiers: MedGen C0678202, MeSH D003424.
Blau syndrome (BLAUS). Also called: GRANULOMATOSIS, FAMILIAL JUVENILE SYSTEMIC; GRANULOMATOSIS, FAMILIAL, BLAU TYPE; GRANULOMATOUS INFLAMMATORY ARTHRITIS, DERMATITIS, AND UVEITIS, FAMILIAL; ARTHROCUTANEOUVEAL GRANULOMATOSIS; JABS SYNDROME. Identifiers: Orphanet 90340, MedGen C5201146, MONDO:0008523, OMIM 186580.

Allele frequency attached by ClinVar (database versions not stated): gnomAD 0.00001; gnomAD exomes 0.00001 and 0.00002; TOPMed 0.00002.

Submission:

Labcorp Genetics (formerly Invitae), Labcorp
Classification: Uncertain significance for Regional enteritis; Blau syndrome. Last evaluated: 2025-04-14. Review status: criteria provided, single submitter. Criteria: Invitae Variant Classification Sherloc (09022015). Collection method: clinical testing. Allele origin: germline.
Comment: This sequence change creates a premature translational stop signal (p.Ala8Profs*183) in the NOD2 gene. It is expected to result in an absent or disrupted protein product. However, the current clinical and genetic evidence is not sufficient to establish whether loss-of-function variants in NOD2 cause disease. This variant is not present in population databases (gnomAD no frequency). This variant has not been reported in the literature in individuals affected with NOD2-related conditions. ClinVar contains an entry for this variant (Variation ID: 844966). In summary, the available evidence is currently insufficient to determine the role of this variant in disease. Therefore, it has been classified as a Variant of Uncertain Significance.

NM_001370466.1(NOD2):c.-8-2223del

Gene: NOD2 (nucleotide binding oligomerization domain containing 2; plus strand). Cytogenetic location: 16q12.1.
Variant type: Deletion.
Coding change: c.-8-2223del on transcript NM_001370466.1 (MANE Select); 2223 bases into the intron before 8 bases upstream of the start codon, one base deleted (G; older notation c.-8-2223delG).
Molecular consequence: intron variant. On other transcripts: frameshift variant (1).
Genome position (GRCh38, 1-based): chr16:50,697,265, G deleted. VCF-style (leftmost placement, unchanged base first): chr16-50697264-AG-A. GRCh37 (hg19) VCF-style: chr16-50731175-AG-A.
Other names: c.22del, p.Ala8fs (NM_022162.3); short protein forms A8fs.
Identifiers: ClinVar variation 844966 (VCV000844966.8), dbSNP rs1213629611, ClinGen allele CA721326312.